The following is an entry in ClinVar:

NM_139057.4(ADAMTS17):c.2449G>A (p.Gly817Ser)

Gene: ADAMTS17 (ADAM metallopeptidase with thrombospondin type 1 motif 17; minus strand). Cytogenetic location: 15q26.3.
Variant type: single nucleotide variant.
Coding change: c.2449G>A on transcript NM_139057.4 (MANE Select); coding-DNA position 2449, G replaced by A.
Protein change: p.Gly817Ser; replaces glycine 817 with serine.
Molecular consequence: missense variant.
Genome position (GRCh38, 1-based): chr15:100,051,578, C>T on the plus strand (G>A on the coding strand, the complement: ADAMTS17 is on the minus strand). VCF-style: chr15-100051578-C-T. GRCh37 (hg19) VCF-style: chr15-100591783-C-T.
Other names: c.2449G>A (NM_139057.2); short protein forms G817S.
Identifiers: ClinVar variation 1492765 (VCV001492765.4), dbSNP rs761804827, ClinGen allele CA7757728.
Genomic context (GRCh38, chr15:100,051,578, plus strand): 5'-TCCTTCCTTCAGCAAAACCCCACACCCAACAGGTCATGGACCACGGCCACTCACCTCCGC[C>T]GCACTGCACACTGCACCCTTCCCAGCCGCTGTGGGTCCAGATGAACAAAGAGTCCTGCGG-3'
Protein context (NP_620688.2, residues 807-827): SGWEGCSVQC[Gly817Ser]GGERRTIVSC

ClinVar aggregate classification (germline): Uncertain significance. Review status: criteria provided, multiple submitters, no conflicts (2 of 4 stars). 2 submissions from 2 submitters: Uncertain significance (2). Last evaluated 2025-06-25.

Conditions:
Inborn genetic diseases. Identifiers: MedGen C0950123, MeSH D030342.

Allele frequency attached by ClinVar (database versions not stated): ExAC 0.00001; gnomAD exomes 0.00001 and 0.00002; gnomAD 0.00003; TOPMed 0.00005.

Submissions (2):

Ambry Genetics
Classification: Uncertain significance for Inborn genetic diseases. Last evaluated: 2025-06-25. Review status: criteria provided, single submitter. Criteria: Ambry Variant Classification Scheme 2023. Collection method: clinical testing. Allele origin: germline.

Labcorp Genetics (formerly Invitae), Labcorp
Classification: Uncertain significance. Last evaluated: 2021-10-03. Review status: criteria provided, single submitter. Criteria: Invitae Variant Classification Sherloc (09022015). Collection method: clinical testing. Allele origin: germline.
Comment: This sequence change replaces glycine with serine at codon 817 of the ADAMTS17 protein (p.Gly817Ser). The glycine residue is highly conserved and there is a small physicochemical difference between glycine and serine. This variant is present in population databases (rs761804827, ExAC 0.001%). This variant has not been reported in the literature in individuals affected with ADAMTS17-related conditions. Algorithms developed to predict the effect of missense changes on protein structure and function are either unavailable or do not agree on the potential impact of this missense change (SIFT: "Not Available"; PolyPhen-2: "Probably Damaging"; Align-GVGD: "Not Available"). In summary, the available evidence is currently insufficient to determine the role of this variant in disease. Therefore, it has been classified as a Variant of Uncertain Significance.